The following is an entry in ClinVar:

ClinVar aggregate classification (germline): Likely benign (1 of 4 stars; one submission).

Allele frequency attached by ClinVar (database versions not stated): 1000 Genomes Project 0.00240; gnomAD 0.00293; 1000 Genomes Project 30x 0.00312; TOPMed 0.00324.

Submission:

GeneDx
Classification: Likely benign. Last evaluated: 2018-06-18. Review status: criteria provided, single submitter. Criteria: GeneDx Variant Classification (06012015). Collection method: clinical testing. Allele origin: germline. Affected: yes.
Comment: This variant is considered likely benign or benign based on one or more of the following criteria: it is a conservative change, it occurs at a poorly conserved position in the protein, it is predicted to be benign by multiple in silico algorithms, and/or has population frequency not consistent with disease.

NM_006231.4(POLE):c.1795-105A>G

Gene: POLE (DNA polymerase epsilon, catalytic subunit; minus strand). Cytogenetic location: 12q24.33.
Variant type: single nucleotide variant.
Coding change: c.1795-105A>G on transcript NM_006231.4 (MANE Select); 105 bases into the intron before coding-DNA position 1795, A replaced by G.
Molecular consequence: intron variant.
Genome position (GRCh38, 1-based): chr12:132,669,044, T>C on the plus strand (A>G on the coding strand, the complement: POLE is on the minus strand). VCF-style: chr12-132669044-T-C. GRCh37 (hg19) VCF-style: chr12-133245630-T-C.
Identifiers: ClinVar variation 677885 (VCV000677885.1), dbSNP rs5744796, ClinGen allele CA246289751.
Genomic context (GRCh38, chr12:132,669,044, plus strand): 5'-CCTCGTGTGCAGTTCACCAACCCCTTTTAGACATTCAGGAGAGGAAAAAGCTGAAAAATA[T>C]ATAAATAGAGCAAAAACTAGCCAGAAGAAAAAAGTTAAGAAGGGTTGCCATCATTTCTAT-3'